The following is an entry in ClinVar:

ClinVar aggregate classification (germline): Uncertain significance. Review status: criteria provided, multiple submitters, no conflicts (2 of 4 stars). 2 submissions from 2 submitters: Uncertain significance (2). Last evaluated 2025-08-25.

Conditions:
Inborn genetic diseases. Identifiers: MedGen C0950123, MeSH D030342.

Submissions (2):

Ambry Genetics
Classification: Uncertain significance for Inborn genetic diseases. Last evaluated: 2025-08-25. Review status: criteria provided, single submitter. Criteria: Ambry Variant Classification Scheme 2023. Collection method: clinical testing. Allele origin: germline.

Labcorp Genetics (formerly Invitae), Labcorp
Classification: Uncertain significance. Last evaluated: 2024-11-05. Review status: criteria provided, single submitter. Criteria: Invitae Variant Classification Sherloc (09022015). Collection method: clinical testing. Allele origin: germline.
Comment: This sequence change replaces proline, which is neutral and non-polar, with arginine, which is basic and polar, at codon 153 of the COL9A2 protein (p.Pro153Arg). This variant is not present in population databases (gnomAD no frequency). This variant has not been reported in the literature in individuals affected with COL9A2-related conditions. ClinVar contains an entry for this variant (Variation ID: 1392702). Invitae Evidence Modeling of protein sequence and biophysical properties (such as structural, functional, and spatial information, amino acid conservation, physicochemical variation, residue mobility, and thermodynamic stability) indicates that this missense variant is not expected to disrupt COL9A2 protein function with a negative predictive value of 95%. In summary, the available evidence is currently insufficient to determine the role of this variant in disease. Therefore, it has been classified as a Variant of Uncertain Significance.

NM_001852.4(COL9A2):c.458C>G (p.Pro153Arg)

Gene: COL9A2 (collagen type IX alpha 2 chain; minus strand). Cytogenetic location: 1p34.2.
Variant type: single nucleotide variant.
Coding change: c.458C>G on transcript NM_001852.4 (MANE Select); coding-DNA position 458, C replaced by G.
Protein change: p.Pro153Arg; replaces proline 153 with arginine.
Molecular consequence: missense variant.
Genome position (GRCh38, 1-based): chr1:40,311,675, G>C on the plus strand (C>G on the coding strand, the complement: COL9A2 is on the minus strand). VCF-style: chr1-40311675-G-C. GRCh37 (hg19) VCF-style: chr1-40777347-G-C.
Other names: c.458C>G (NM_001852.3); short protein forms P153R.
Identifiers: ClinVar variation 1392702 (VCV001392702.9), dbSNP rs77937237, ClinGen allele CA339856156.
Genomic context (GRCh38, chr1:40,311,675, plus strand): 5'-TCTCCTTCCCCTGCACTTTGCCATGTCGGGGGTCTGGGGACACTTACAGGTTTCCCAGGG[G>C]GTCCTGGGGGCCCCGATGGTCCATCTGGTCCAGGGTCCCCCTGGAAGCAAAAGAAGCCCA-3'
Protein context (NP_001843.1, residues 143-163): GPDGPSGPPG[Pro153Arg]PGKPGRPGTI